The following is an entry in ClinVar:

NM_000218.3(KCNQ1):c.1638G>A (p.Ser546=)

Gene: KCNQ1 (potassium voltage-gated channel subfamily Q member 1; plus strand). Cytogenetic location: 11p15.5.
Variant type: single nucleotide variant.
Coding change: c.1638G>A on transcript NM_000218.3 (MANE Select); coding-DNA position 1638, G replaced by A.
Protein change: p.Ser546=; no amino-acid change (serine 546 retained).
Molecular consequence: synonymous variant.
Genome position (GRCh38, 1-based): chr11:2,776,007, G>A. VCF-style: chr11-2776007-G-A. GRCh37 (hg19) VCF-style: chr11-2797237-G-A.
Other names: p.S546S:TCG>TCA; p.Ser546=; c.1542G>A, p.Ser514= (NM_001406836.1); c.1368G>A, p.Ser456= (NM_001406837.1); c.1098G>A, p.Ser366= (NM_001406838.1); c.1257G>A, p.Ser419= (NM_181798.2).
Identifiers: ClinVar variation 42488 (VCV000042488.42), dbSNP rs1057128, ClinGen allele CA006032.
Genomic context (GRCh38, chr11:2,776,007, plus strand): 5'-TTTTGTCCCGCAGCAAGCGCGGAAGCCTTACGATGTGCGGGACGTCATTGAGCAGTACTC[G>A]CAGGGCCACCTCAACCTCATGGTGCGCATCAAGGAGCTGCAGAGGAGGTGGGCACGGCCA-3'
Protein context (NP_000209.2, residues 536-556): YDVRDVIEQY[Ser546=]QGHLNLMVRI

ClinVar aggregate classification (germline): Benign. Review status: criteria provided, multiple submitters, no conflicts (2 of 4 stars). 19 submissions from 16 submitters: Benign (16). 3 of the submissions do not count toward it. Last evaluated 2026-02-04.

Conditions:
Cardiac arrhythmia. Also called: Arrhythmia; Cardiac rhythm disease. Identifiers: MedGen C0003811, MONDO:0007263, HP:0011675.
Cardiovascular phenotype. Identifiers: MedGen CN230736.
Long QT syndrome (LQTS). Identifiers: MedGen C0023976, MeSH D008133, MONDO:0002442. Disease mechanism: loss of function. Inheritance: Various modes of inheritance.
Atrial fibrillation, familial, 3 (ATFB3). Identifiers: MedGen C1837014, MONDO:0011857, OMIM 607554.
Jervell and Lange-Nielsen syndrome 1 (JLNS1). Also called: CARDIOAUDITORY SYNDROME OF JERVELL AND LANGE-NIELSEN; DEAFNESS, CONGENITAL, AND FUNCTIONAL HEART DISEASE; PROLONGED QT INTERVAL IN EKG AND SUDDEN DEATH; SURDO-CARDIAC SYNDROME. Identifiers: Orphanet 768, Orphanet 90647, MedGen C4551509, MONDO:0024540, OMIM 220400.
Long QT syndrome 1 (LQT1). Identifiers: Orphanet 101016, Orphanet 768, MedGen C4551647, MONDO:0100316, OMIM 192500, MONDO:0008646.
Short QT syndrome type 2. Identifiers: Orphanet 51083, MedGen C1865019, MONDO:0012313, OMIM 609621.

Allele frequency attached by ClinVar (database versions not stated): ESP Exome Variant Server 0.14351; gnomAD 0.16286 and 0.16679; TOPMed 0.17378; 1000 Genomes Project 30x 0.17520; 1000 Genomes Project 0.18091; gnomAD exomes 0.20785; ExAC 0.25844.
gnomAD v4.1: 313,266 of 1,572,900 alleles (20%); highest among the groups gnomAD compares: Admixed American, 33%; 33,479 homozygotes.

Submissions (19):

Labcorp Genetics (formerly Invitae), Labcorp
Classification: Benign for Long QT syndrome. Last evaluated: 2026-02-04. Review status: criteria provided, single submitter. Criteria: Invitae Variant Classification Sherloc (09022015). Collection method: clinical testing. Allele origin: germline.

Molecular Diagnostic Laboratory for Inherited Cardiovascular Disease, Montreal Heart Institute
Classification: Benign. Last evaluated: 2025-04-09. Review status: criteria provided, single submitter. Criteria: ACMG Guidelines, 2015. Collection method: clinical testing. Allele origin: germline. Affected: no.

Blueprint Genetics
Classification: Benign. Last evaluated: 2024-11-27. Review status: criteria provided, single submitter. Criteria: ACMG Guidelines, 2015. Collection method: clinical testing. Allele origin: germline.

All of Us Research Program, National Institutes of Health
Classification: Benign for Long QT syndrome. Last evaluated: 2024-10-02. Review status: criteria provided, single submitter. Criteria: ACMG Guidelines, 2015. Collection method: clinical testing. Allele origin: germline. Inheritance: Autosomal dominant inheritance. Observed: 51,526 variant alleles, 45,037 heterozygotes, 6,479 homozygotes, 10 hemizygotes.
Comment: This study involves interpretation of variants in research participants for the purpose of population health screening. Participant phenotype was not available at the time of variant classification. Additional details can be found in publication PMID: 35346344, PMCID: PMC8962531

Molecular Genetics Laboratory - Cardiogenetics, CHU de Nantes
Classification: Benign for Long QT syndrome 1. Last evaluated: 2023-08-01. Review status: criteria provided, single submitter. Criteria: ACMG Guidelines, 2015. Collection method: clinical testing. Allele origin: germline. Affected: yes.

Mayo Clinic Laboratories, Mayo Clinic
Classification: Benign. Last evaluated: 2020-12-17. Review status: criteria provided, single submitter. Criteria: ACMG Guidelines, 2015. Collection method: clinical testing. Allele origin: germline. Observed: 452 variant alleles.

Color Diagnostics, LLC DBA Color Health
Classification: Benign for Arrhythmia. Last evaluated: 2018-03-16. Review status: criteria provided, single submitter. Criteria: ACMG Guidelines, 2015. Collection method: clinical testing. Allele origin: germline.

Illumina Laboratory Services, Illumina
Classification: Benign for Jervell and Lange-Nielsen syndrome 1. Last evaluated: 2017-04-27. Review status: criteria provided, single submitter. Criteria: ICSL Variant Classification Criteria 13 December 2019. Collection method: clinical testing. Allele origin: germline.
Comment: This variant was observed as part of a predisposition screen in an ostensibly healthy population. A literature search was performed for the gene, cDNA change, and amino acid change (where applicable). No publications were found based on this search. Allele frequency data from public databases was too high to be consistent with this variant causing disease. Therefore, this variant is classified as benign.

Illumina Laboratory Services, Illumina
Classification: Benign for Atrial fibrillation, familial, 3. Last evaluated: 2017-04-27. Review status: criteria provided, single submitter. Criteria: ICSL Variant Classification Criteria 13 December 2019. Collection method: clinical testing. Allele origin: germline.
Comment: the same text as in the submission from Illumina Laboratory Services, Illumina above.

Illumina Laboratory Services, Illumina
Classification: Benign for Long QT syndrome 1. Last evaluated: 2017-04-27. Review status: criteria provided, single submitter. Criteria: ICSL Variant Classification Criteria 13 December 2019. Collection method: clinical testing. Allele origin: germline.
Comment: the same text as in the submission from Illumina Laboratory Services, Illumina above.

Illumina Laboratory Services, Illumina
Classification: Benign for Short QT syndrome type 2. Last evaluated: 2017-04-27. Review status: criteria provided, single submitter. Criteria: ICSL Variant Classification Criteria 13 December 2019. Collection method: clinical testing. Allele origin: germline.
Comment: the same text as in the submission from Illumina Laboratory Services, Illumina above.

Ambry Genetics
Classification: Benign for Cardiovascular phenotype. Last evaluated: 2015-06-18. Review status: criteria provided, single submitter. Criteria: Ambry Variant Classification Scheme 2023. Collection method: clinical testing. Allele origin: germline.

Laboratory for Molecular Medicine, Mass General Brigham Personalized Medicine
Classification: Benign. Last evaluated: 2012-05-07. Review status: criteria provided, single submitter. Criteria: LMM Criteria. Collection method: clinical testing. Allele origin: germline. Observed: 606 variant alleles.
Comment: "Ser546Ser in Exon 13 of KCNQ1: This variant is not expected to have clinical si gnificance because it does not alter an amino acid residue, is not located withi n the splice consensus sequence, and has been identified in 19.7% (1379/6990) of European American chromosomes from a broad population by the NHLBI Exome Sequen cing Project (dbSNP rs1057128)."

GeneDx
Classification: Benign. Last evaluated: 2011-07-10. Review status: criteria provided, single submitter. Criteria: GeneDx Variant Classification (06012015). Collection method: clinical testing. Allele origin: germline. Affected: yes.
Comment: This variant is considered likely benign or benign based on one or more of the following criteria: it is a conservative change, it occurs at a poorly conserved position in the protein, it is predicted to be benign by multiple in silico algorithms, and/or has population frequency not consistent with disease.

Breakthrough Genomics
Classification: Benign. Review status: criteria provided, single submitter. Criteria: ACMG Guidelines, 2015. Collection method: not provided. Allele origin: germline. Inheritance: Autosomal recessive inheritance. Affected: yes.

PreventionGenetics, part of Exact Sciences
Classification: Benign. Review status: criteria provided, single submitter. Criteria: ACMG Guidelines, 2015. Collection method: clinical testing. Allele origin: germline.

Cohesion Phenomics
Classification: Likely benign for Long QT syndrome. Last evaluated: 2022-09-23. Review status: no assertion criteria provided. Criteria: ACMG Guidelines, 2015. Collection method: clinical testing. Allele origin: germline. Affected: yes. Not counted in ClinVar's aggregate classification.

Clinical Genetics, Academic Medical Center
Classification: Benign. Review status: no assertion criteria provided. Collection method: clinical testing. Allele origin: germline. Affected: yes. Study: VKGL Data-share Consensus. Not counted in ClinVar's aggregate classification.

Joint Genome Diagnostic Labs from Nijmegen and Maastricht, Radboudumc and MUMC+
Classification: Benign. Review status: no assertion criteria provided. Collection method: clinical testing. Allele origin: germline. Affected: yes. Study: VKGL Data-share Consensus. Not counted in ClinVar's aggregate classification.